The following is an entry in ClinVar:

NM_001330260.2(SCN8A):c.4282-10C>G

Gene: SCN8A (sodium voltage-gated channel alpha subunit 8; plus strand). Cytogenetic location: 12q13.13.
Variant type: single nucleotide variant.
Coding change: c.4282-10C>G on transcript NM_001330260.2 (MANE Select); 10 bases into the intron before coding-DNA position 4282, C replaced by G.
Molecular consequence: intron variant.
Genome position (GRCh38, 1-based): chr12:51,789,271, C>G. VCF-style: chr12-51789271-C-G. GRCh37 (hg19) VCF-style: chr12-52183055-C-G.
Other names: c.4282-10C>G (NM_014191.4); c.4159-10C>G (NM_001177984.3, NM_001369788.1).
Identifiers: ClinVar variation 445379 (VCV000445379.16), dbSNP rs369145855, ClinGen allele CA6571792.

ClinVar aggregate classification (germline): Conflicting classifications of pathogenicity. Review status: criteria provided, conflicting classifications (1 of 4 stars). 4 submissions from 3 submitters: Uncertain significance (3); Likely benign (1). Last evaluated 2025-09-23.

Conditions:
Myoclonus, familial, 2. Identifiers: MedGen C5193056, MONDO:0100092, OMIM 618364.
Seizures, benign familial infantile, 5 (BFIS5). Also called: CONVULSIONS, BENIGN FAMILIAL INFANTILE, 5. Identifiers: Orphanet 306, MedGen C4310728, MONDO:0014903, OMIM 617080.
Cognitive impairment with or without cerebellar ataxia (CIAT). Identifiers: MedGen C3280415, MONDO:0013680, OMIM 614306.
Developmental and epileptic encephalopathy, 13 (DEE13). Also called: SCN8A-Related Epilepsy; Early infantile epileptic encephalopathy 13; Developmental and Epileptic Encephalopathy (SCN8A-DEE). Identifiers: Orphanet 442835, MedGen C3281191, MONDO:0013801, OMIM 614558.
Early-infantile DEE. Also called: Early infantile epileptic encephalopathy; Early infantile epileptic encephalopathy with suppression bursts; Ohtahara syndrome. Identifiers: Orphanet 1934, MedGen C0393706, MONDO:0800491.

Allele frequency attached by ClinVar (database versions not stated): TOPMed 0.00006; ESP Exome Variant Server 0.00008.
gnomAD v4.1: 269 of 1,613,586 alleles (0.017%); highest among the groups gnomAD compares: Non-Finnish European, 0.022%; no homozygotes.

Submissions (4):

Labcorp Genetics (formerly Invitae), Labcorp
Classification: Likely benign for Early-infantile DEE. Last evaluated: 2025-09-23. Review status: criteria provided, single submitter. Criteria: Invitae Variant Classification Sherloc (09022015). Collection method: clinical testing. Allele origin: germline.

Center for Pediatric Genomic Medicine, Children's Mercy Hospital and Clinics
Classification: Uncertain significance. Last evaluated: 2017-04-04. Review status: criteria provided, single submitter. Criteria: ACMG Guidelines, 2015. Collection method: clinical testing. Allele origin: germline.

Center for Genomics, Ann and Robert H. Lurie Children's Hospital of Chicago
Classification: Uncertain significance for Cognitive impairment with or without cerebellar ataxia; Developmental and epileptic encephalopathy, 13; Seizures, benign familial infantile, 5. Review status: criteria provided, single submitter. Criteria: ACMG Guidelines, 2015. Collection method: clinical testing. Allele origin: germline.
Comment: SCN8A NM_014191.3 intron 23 c.4282-10C>G: This variant has not been reported in the literature but is present in 0.01% (8/68036) of European alleles in the Genome Aggregation Database. This variant is present in ClinVar (Variation ID:445379). Evolutionary conservation and computational predictive tools for this variant are limited or unavailable. Although this variant occurs in the splice region, computational prediction tools do not suggest that it alters splicing. However, further studies are needed to understand its impact. In summary, data on this variant is insufficient for disease classification. Therefore, the clinical significance of this variant is uncertain.

Center for Genomics, Ann and Robert H. Lurie Children's Hospital of Chicago
Classification: Uncertain significance for Myoclonus, familial, 2; Seizures, benign familial infantile, 5; Cognitive impairment with or without cerebellar ataxia; Developmental and epileptic encephalopathy, 13. Review status: criteria provided, single submitter. Criteria: ACMG Guidelines, 2015. Collection method: clinical testing. Allele origin: germline.
Comment: the same text as in the submission from Center for Genomics, Ann and Robert H. Lurie Children's Hospital of Chicago above.